The following is an entry in ClinVar:

ClinVar aggregate classification (germline): Uncertain significance. Review status: criteria provided, multiple submitters, no conflicts (2 of 4 stars). 2 submissions from 2 submitters: Uncertain significance (2). Last evaluated 2023-07-11.

Submissions (2):

Blueprint Genetics
Classification: Uncertain significance. Last evaluated: 2023-07-11. Review status: criteria provided, single submitter. Criteria: ACMG Guidelines, 2015. Collection method: clinical testing. Allele origin: germline.

CeGaT Center for Human Genetics Tuebingen
Classification: Uncertain significance. Last evaluated: 2023-07-01. Review status: criteria provided, single submitter. Criteria: CeGaT Center For Human Genetics Tuebingen Variant Classification Criteria Version 2. Collection method: clinical testing. Allele origin: germline. Affected: yes. Observed: 1 variant allele.
Comment: TTN: PM2

NM_001267550.2(TTN):c.37138G>T (p.Glu12380Ter)

Gene: TTN (titin; minus strand). Cytogenetic location: 2q31.2.
Variant type: single nucleotide variant.
Coding change: c.37138G>T on transcript NM_001267550.2 (MANE Select); coding-DNA position 37138, G replaced by T.
Protein change: p.Glu12380Ter; replaces glutamic acid 12380 with a stop codon.
Molecular consequence: nonsense. On other transcripts: intron variant (5).
Genome position (GRCh38, 1-based): chr2:178,662,011, C>A on the plus strand (G>T on the coding strand, the complement: TTN is on the minus strand). VCF-style: chr2-178662011-C-A. GRCh37 (hg19) VCF-style: chr2-179526738-C-A.
Other names: c.13283-19694G>T (NM_003319.4); c.13859-19694G>T (NM_133437.4); c.13658-19694G>T (NM_133432.3); c.31573+955G>T (NM_133378.4); c.34354+955G>T (NM_001256850.1); short protein forms E12380*.
Identifiers: ClinVar variation 2651659 (VCV002651659.25), dbSNP rs2064837337, ClinGen allele CA349489608.